The following is an entry in ClinVar:

ClinVar aggregate classification (germline): Uncertain significance (1 of 4 stars; one submission).

Allele frequency attached by ClinVar (database versions not stated): gnomAD exomes 0.00001.
gnomAD v4.1: 8 of 1,607,882 alleles (0.0005%); highest among the groups gnomAD compares: Non-Finnish European, 0.00068%; no homozygotes.

Submission:

Labcorp Genetics (formerly Invitae), Labcorp
Classification: Uncertain significance. Last evaluated: 2024-10-25. Review status: criteria provided, single submitter. Criteria: Invitae Variant Classification Sherloc (09022015). Collection method: clinical testing. Allele origin: germline.
Comment: This sequence change replaces leucine, which is neutral and non-polar, with proline, which is neutral and non-polar, at codon 375 of the ESCO2 protein (p.Leu375Pro). This variant is not present in population databases (gnomAD no frequency). This variant has not been reported in the literature in individuals affected with ESCO2-related conditions. ClinVar contains an entry for this variant (Variation ID: 1508505). An algorithm developed to predict the effect of missense changes on protein structure and function (PolyPhen-2) suggests that this variant is likely to be disruptive. In summary, the available evidence is currently insufficient to determine the role of this variant in disease. Therefore, it has been classified as a Variant of Uncertain Significance.

NM_001017420.3(ESCO2):c.1124T>C (p.Leu375Pro)

Gene: ESCO2 (establishment of sister chromatid cohesion N-acetyltransferase 2; plus strand). Cytogenetic location: 8p21.1.
Variant type: single nucleotide variant.
Coding change: c.1124T>C on transcript NM_001017420.3 (MANE Select); coding-DNA position 1124, T replaced by C.
Protein change: p.Leu375Pro; replaces leucine 375 with proline.
Molecular consequence: missense variant.
Genome position (GRCh38, 1-based): chr8:27,787,995, T>C. VCF-style: chr8-27787995-T-C. GRCh37 (hg19) VCF-style: chr8-27645512-T-C.
Other names: short protein forms L375P.
Identifiers: ClinVar variation 1508505 (VCV001508505.4), dbSNP rs2128954856, ClinGen allele CA370823733.
Genomic context (GRCh38, chr8:27,787,995, plus strand): 5'-AGACCAATATCCAGAAAAATACTAATACCAGAGATACAAGTAAAAAAACAAAAGACCAGC[T>C]CATCATCGTGAGTAAATTCCAAACAAAGCTTCTCCTATCTAGCCCTTTGCAGAAAAGCTT-3'
Protein context (NP_001017420.1, residues 365-385): RDTSKKTKDQ[Leu375Pro]IIDAGQKHFG